The following is an entry in ClinVar:

NM_005633.4(SOS1):c.847T>C (p.Phe283Leu)

Gene: SOS1 (SOS Ras/Rac guanine nucleotide exchange factor 1; minus strand). Cytogenetic location: 2p22.1.
Variant type: single nucleotide variant.
Coding change: c.847T>C on transcript NM_005633.4 (MANE Select); coding-DNA position 847, T replaced by C.
Protein change: p.Phe283Leu; replaces phenylalanine 283 with leucine.
Molecular consequence: missense variant.
Genome position (GRCh38, 1-based): chr2:39,051,161, A>G on the plus strand (T>C on the coding strand, the complement: SOS1 is on the minus strand). VCF-style: chr2-39051161-A-G. GRCh37 (hg19) VCF-style: chr2-39278302-A-G.
Other names: c.826T>C, p.Phe276Leu (NM_001382394.1); c.847T>C, p.Phe283Leu (NM_001382395.1); short protein forms F283L, F276L.
Identifiers: ClinVar variation 561951 (VCV000561951.9), dbSNP rs1222945881, ClinGen allele CA346367581.

ClinVar aggregate classification (germline): Uncertain significance. Review status: criteria provided, multiple submitters, no conflicts (2 of 4 stars). 6 submissions from 5 submitters: Uncertain significance (6). Last evaluated 2026-01-11.

Conditions:
RASopathy. Also called: Noonan spectrum disorder; rasopathies. Identifiers: Orphanet 536391, MedGen C5555857, MONDO:0021060.
Cardiovascular phenotype. Identifiers: MedGen CN230736.
Fibromatosis, gingival, 1 (GINGF1). Identifiers: Orphanet 2024, MedGen C4551558, MONDO:0007609, OMIM 135300.
Noonan syndrome 4 (NS4). Also called: SOS1-Related Noonan Syndrome; NOONAN SYNDROME WITH PIGMENTED VILLONODULAR SYNOVITIS. Identifiers: Orphanet 648, MedGen C1853120, MONDO:0012547, OMIM 610733.

Allele frequency attached by ClinVar (database versions not stated): gnomAD 0.00001; gnomAD exomes 0.00001; TOPMed 0.00002.

Submissions (6):

Labcorp Genetics (formerly Invitae), Labcorp
Classification: Uncertain significance for RASopathy. Last evaluated: 2026-01-11. Review status: criteria provided, single submitter. Criteria: Invitae Variant Classification Sherloc (09022015). Collection method: clinical testing. Allele origin: germline.
Comment: This sequence change replaces phenylalanine, which is neutral and non-polar, with leucine, which is neutral and non-polar, at codon 283 of the SOS1 protein (p.Phe283Leu). This variant is present in population databases (no rsID available, gnomAD 0.003%). This variant has not been reported in the literature in individuals affected with SOS1-related conditions. ClinVar contains an entry for this variant (Variation ID: 561951). Invitae Evidence Modeling of protein sequence and biophysical properties (such as structural, functional, and spatial information, amino acid conservation, physicochemical variation, residue mobility, and thermodynamic stability) indicates that this missense variant is expected to disrupt SOS1 protein function with a positive predictive value of 95%. In summary, the available evidence is currently insufficient to determine the role of this variant in disease. Therefore, it has been classified as a Variant of Uncertain Significance.

Ambry Genetics
Classification: Uncertain significance for Cardiovascular phenotype. Last evaluated: 2024-02-22. Review status: criteria provided, single submitter. Criteria: Ambry Variant Classification Scheme 2023. Collection method: clinical testing. Allele origin: germline.
Comment: The p.F283L variant (also known as c.847T>C), located in coding exon 6 of the SOS1 gene, results from a T to C substitution at nucleotide position 847. The phenylalanine at codon 283 is replaced by leucine, an amino acid with highly similar properties. This amino acid position is conserved. In addition, this alteration is predicted to be deleterious by in silico analysis. Based on the available evidence, the clinical significance of this alteration remains unclear.

Women's Health and Genetics/Laboratory Corporation of America, LabCorp
Classification: Uncertain significance. Last evaluated: 2020-08-10. Review status: criteria provided, single submitter. Criteria: LabCorp Variant Classification Summary - May 2015. Collection method: clinical testing. Allele origin: germline.
Comment: Variant summary: SOS1 c.847T>C (p.Phe283Leu) results in a non-conservative amino acid change located in the Dbl homology (DH) domain (IPR000219) of the encoded protein sequence. Five of five in-silico tools predict a damaging effect of the variant on protein function. The variant allele was found at a frequency of 8e-06 in 251348 control chromosomes (gnomAD). The available data on variant occurrences in the general population are insufficient to allow any conclusion about variant significance. To our knowledge, no occurrence of c.847T>C in individuals affected with Noonan Syndrome and no experimental evidence demonstrating its impact on protein function have been reported. Co-occurrence with another pathogenic variant has been reported (PTPN11 c.181G>A, p.Asp61Asn; in an internal LCA sample), providing supporting evidence for a benign role. One clinical diagnostic laboratory has submitted clinical-significance assessments for this variant to ClinVar after 2014 without evidence for independent evaluation, and classified the variant as uncertain significance. Based on the evidence outlined above, the variant was classified as uncertain significance.

GeneDx
Classification: Uncertain significance. Last evaluated: 2018-07-16. Review status: criteria provided, single submitter. Criteria: GeneDx Variant Classification (06012015). Collection method: clinical testing. Allele origin: germline. Affected: yes.
Comment: A variant of uncertain significance has been identified in the SOS1 gene. The F283L variant has not been published as pathogenic or been reported as benign to our knowledge. This variant is observed in 4/126,600 alleles (0.003%) from individuals of non-Finnish European ancestry in large population cohorts (Lek et al., 2016). The F283L variant is a conservative amino acid substitution, which is not likely to impact secondary protein structure as these residues share similar properties. However, in-silico analyses, including protein predictors and evolutionary conservation, support a deleterious effect. Although no nearby missense variants have been reported in the Human Gene Mutation Database, the SOS1 gene has a low rate of benign missense variation, and missense variants are a common mechanism of disease for this gene (Stenson et al., 2014).

Genome-Nilou Lab
Classification: Uncertain significance for Noonan syndrome 4. Review status: criteria provided, single submitter. Criteria: ACMG Guidelines, 2015. Collection method: clinical testing. Allele origin: germline.

Genome-Nilou Lab
Classification: Uncertain significance for Fibromatosis, gingival, 1. Review status: criteria provided, single submitter. Criteria: ACMG Guidelines, 2015. Collection method: clinical testing. Allele origin: germline.